The following is an entry in ClinVar:

NM_144701.3(IL23R):c.770A>G (p.Tyr257Cys)

Gene: IL23R (interleukin 23 receptor; plus strand). Cytogenetic location: 1p31.3.
Variant type: single nucleotide variant.
Coding change: c.770A>G on transcript NM_144701.3 (MANE Select); coding-DNA position 770, A replaced by G.
Protein change: p.Tyr257Cys; replaces tyrosine 257 with cysteine.
Molecular consequence: missense variant.
Genome position (GRCh38, 1-based): chr1:67,207,027, A>G. VCF-style: chr1-67207027-A-G. GRCh37 (hg19) VCF-style: chr1-67672710-A-G.
Other names: short protein forms Y257C.
Identifiers: ClinVar variation 2984290 (VCV002984290.3), dbSNP rs2525355361, ClinGen allele CA340728487.

ClinVar aggregate classification (germline): Uncertain significance (1 of 4 stars; one submission).

Allele frequency attached by ClinVar (database versions not stated): gnomAD exomes 0.00001.

Submission:

Labcorp Genetics (formerly Invitae), Labcorp
Classification: Uncertain significance. Last evaluated: 2023-12-11. Review status: criteria provided, single submitter. Criteria: Invitae Variant Classification Sherloc (09022015). Collection method: clinical testing. Allele origin: germline.
Comment: This sequence change replaces tyrosine, which is neutral and polar, with cysteine, which is neutral and slightly polar, at codon 257 of the IL23R protein (p.Tyr257Cys). This variant is not present in population databases (gnomAD no frequency). This variant has not been reported in the literature in individuals affected with IL23R-related conditions. An algorithm developed to predict the effect of missense changes on protein structure and function (PolyPhen-2) suggests that this variant is likely to be tolerated. In summary, the available evidence is currently insufficient to determine the role of this variant in disease. Therefore, it has been classified as a Variant of Uncertain Significance.